The following is an entry in ClinVar:

NM_000182.5(HADHA):c.2113G>A (p.Val705Ile)

Genes: GAREM2 (GRB2 associated regulator of MAPK1 subtype 2; plus strand), HADHA (hydroxyacyl-CoA dehydrogenase trifunctional multienzyme complex subunit alpha; minus strand). Cytogenetic location: 2p23.3.
Variant type: single nucleotide variant.
Coding change: c.2113G>A on transcript NM_000182.5 (MANE Select); coding-DNA position 2113, G replaced by A.
Protein change: p.Val705Ile; replaces valine 705 with isoleucine.
Molecular consequence: missense variant.
Genome position (GRCh38, 1-based): chr2:26,191,516, C>T on the plus strand (G>A on the coding strand, the complement: HADHA is on the minus strand). VCF-style: chr2-26191516-C-T. GRCh37 (hg19) VCF-style: chr2-26414385-C-T.
Other names: p.Val705Ile; short protein forms V705I.
Identifiers: ClinVar variation 335374 (VCV000335374.20), dbSNP rs146406360, ClinGen allele CA1559372.

ClinVar aggregate classification (germline): Uncertain significance. Review status: criteria provided, multiple submitters, no conflicts (2 of 4 stars). 8 submissions from 7 submitters: Uncertain significance (7). 1 of the submissions does not count toward it. Last evaluated 2026-06-06.

Conditions:
Mitochondrial trifunctional protein deficiency 1 (MTPD1). Identifiers: MedGen CN376812, MONDO:0958181, OMIM 609015.
Long chain 3-hydroxyacyl-CoA dehydrogenase deficiency. Also called: LCHAD Deficiency; Deficiency of long-chain 3-hydroxyacyl-coenzyme A dehydrogenase. Identifiers: Orphanet 5, MedGen C3711645, MONDO:0012173, OMIM 609016.
HADHA-related disorder. Also called: HADHA-related disorders; HADHA-related condition.
Mitochondrial trifunctional protein deficiency. Identifiers: Orphanet 746, MedGen C1969443, MONDO:0012172.

Allele frequency attached by ClinVar (database versions not stated): TOPMed 0.00010; 1000 Genomes Project 30x 0.00016; 1000 Genomes Project 0.00020; gnomAD exomes 0.00021; ESP Exome Variant Server 0.00023; ExAC 0.00026; gnomAD 0.00031 and 0.00034.
gnomAD v4.1: 351 of 1,614,198 alleles (0.022%); highest among the groups gnomAD compares: Non-Finnish European, 0.023%; 2 homozygotes.

Submissions (8):

PreventionGenetics, part of Exact Sciences
Classification: Uncertain significance for HADHA-related condition. Last evaluated: 2026-06-06. Review status: criteria provided, single submitter. Criteria: ACMG Guidelines, 2015. Collection method: clinical testing. Allele origin: germline.
Comment: The HADHA c.2113G>A variant is predicted to result in the amino acid substitution p.Val705Ile. To our knowledge, this variant has not been reported in the literature. This variant is reported in 0.058% of alleles in individuals of European (Non-Finnish) descent in gnomAD, including 2 homozygous individuals in gnomAD v4. Although we suspect that this variant may be benign, at this time, the clinical significance of this variant is uncertain due to the absence of conclusive functional and genetic evidence.

Blueprint Genetics
Classification: Uncertain significance. Last evaluated: 2024-10-10. Review status: criteria provided, single submitter. Criteria: ACMG Guidelines, 2015. Collection method: clinical testing. Allele origin: germline.

Labcorp Genetics (formerly Invitae), Labcorp
Classification: Uncertain significance for Mitochondrial trifunctional protein deficiency; Long chain 3-hydroxyacyl-CoA dehydrogenase deficiency. Last evaluated: 2024-01-22. Review status: criteria provided, single submitter. Criteria: Invitae Variant Classification Sherloc (09022015). Collection method: clinical testing. Allele origin: germline.
Comment: This sequence change replaces valine, which is neutral and non-polar, with isoleucine, which is neutral and non-polar, at codon 705 of the HADHA protein (p.Val705Ile). This variant is present in population databases (rs146406360, gnomAD 0.06%). This variant has not been reported in the literature in individuals affected with HADHA-related conditions. ClinVar contains an entry for this variant (Variation ID: 335374). Advanced modeling of protein sequence and biophysical properties (such as structural, functional, and spatial information, amino acid conservation, physicochemical variation, residue mobility, and thermodynamic stability) performed at Invitae indicates that this missense variant is not expected to disrupt HADHA protein function with a negative predictive value of 80%. In summary, the available evidence is currently insufficient to determine the role of this variant in disease. Therefore, it has been classified as a Variant of Uncertain Significance.

Department of Pathology and Laboratory Medicine, Sinai Health System
Classification: Uncertain significance for Mitochondrial trifunctional protein deficiency 1; Long chain 3-hydroxyacyl-CoA dehydrogenase deficiency. Last evaluated: 2022-12-05. Review status: criteria provided, single submitter. Criteria: ACMG Guidelines, 2015. Collection method: research. Allele origin: germline.

Mayo Clinic Laboratories, Mayo Clinic
Classification: Uncertain significance. Last evaluated: 2021-08-31. Review status: criteria provided, single submitter. Criteria: ACMG Guidelines, 2015. Collection method: clinical testing. Allele origin: germline. Observed: 3 variant alleles.
Comment: PM5

Illumina Laboratory Services, Illumina
Classification: Uncertain significance for Long chain 3-hydroxyacyl-CoA dehydrogenase deficiency. Last evaluated: 2018-01-12. Review status: criteria provided, single submitter. Criteria: ICSL Variant Classification Criteria 13 December 2019. Collection method: clinical testing. Allele origin: germline.

Illumina Laboratory Services, Illumina
Classification: Uncertain significance for Mitochondrial trifunctional protein deficiency 1. Last evaluated: 2018-01-12. Review status: criteria provided, single submitter. Criteria: ICSL Variant Classification Criteria 13 December 2019. Collection method: clinical testing. Allele origin: germline.

Natera, Inc.
Classification: Uncertain significance for Deficiency of long-chain 3-hydroxyacyl-coenzyme A dehydrogenase. Last evaluated: 2020-01-15. Review status: no assertion criteria provided. Collection method: clinical testing. Allele origin: germline. Not counted in ClinVar's aggregate classification.

Literature cited by the submitters: PubMed 29095929 (cited by Mayo Clinic Laboratories, Mayo Clinic).